The following is an entry in ClinVar:

NM_001384900.1(SEMA3D):c.1546C>A (p.Gln516Lys)

Gene: SEMA3D (semaphorin 3D; minus strand). Cytogenetic location: 7q21.11.
Variant type: single nucleotide variant.
Coding change: c.1546C>A on transcript NM_001384900.1 (MANE Select); coding-DNA position 1546, C replaced by A.
Protein change: p.Gln516Lys; replaces glutamine 516 with lysine.
Molecular consequence: missense variant.
Genome position (GRCh38, 1-based): chr7:85,015,216, G>T on the plus strand (C>A on the coding strand, the complement: SEMA3D is on the minus strand). VCF-style: chr7-85015216-G-T. GRCh37 (hg19) VCF-style: chr7-84644532-G-T.
Other names: c.1546C>A, p.Gln516Lys (NM_001384901.1, NM_001384902.1, NM_001384903.1 and 1 more transcripts); short protein forms Q516K.
Identifiers: ClinVar variation 4998845 (VCV004998845.1).

ClinVar aggregate classification (germline): Uncertain significance (1 of 4 stars; one submission).

Conditions:
SEMA3D-related disorder. Also called: SEMA3D-related condition.

Submission:

PreventionGenetics, part of Exact Sciences
Classification: Uncertain significance for SEMA3D-related condition. Last evaluated: 2025-05-08. Review status: criteria provided, single submitter. Criteria: ACMG Guidelines, 2015. Collection method: clinical testing. Allele origin: germline.
Comment: The SEMA3D c.1546C>A variant is predicted to result in the amino acid substitution p.Gln516Lys. To our knowledge, this variant has not been reported in the literature or in a large population database (gnomAD), indicating this variant is rare. At this time, the clinical significance of this variant is uncertain due to the absence of conclusive functional and genetic evidence.